The following is an entry in ClinVar:

ClinVar aggregate classification (germline): Likely pathogenic (1 of 4 stars; one submission).

gnomAD v4.1: 1 of 1,614,024 alleles (0.000062%); highest among the groups gnomAD compares: Non-Finnish European, 0.000085%; no homozygotes.

Submission:

GeneDx
Classification: Likely pathogenic. Last evaluated: 2024-12-12. Review status: criteria provided, single submitter. Criteria: GeneDx Variant Classification Process June 2021. Collection method: clinical testing. Allele origin: germline. Affected: yes.
Comment: Canonical splice site variant predicted to result in a null allele in a gene for which loss of function is a known mechanism of disease; Not observed at significant frequency in large population cohorts (gnomAD); Has not been previously published as pathogenic or benign to our knowledge

NM_001385.3(DPYS):c.1443+2T>C

Gene: DPYS (dihydropyrimidinase; minus strand). Cytogenetic location: 8q22.3.
Variant type: single nucleotide variant.
Coding change: c.1443+2T>C on transcript NM_001385.3 (MANE Select); the canonical splice donor site of the intron after coding-DNA position 1443, T replaced by C.
Molecular consequence: splice donor variant.
Genome position (GRCh38, 1-based): chr8:104,392,782, A>G on the plus strand (T>C on the coding strand, the complement: DPYS is on the minus strand). VCF-style: chr8-104392782-A-G. GRCh37 (hg19) VCF-style: chr8-105405010-A-G.
Identifiers: ClinVar variation 3903245 (VCV003903245.1).